The following is an entry in ClinVar:

NM_001048174.2(MUTYH):c.277A>G (p.Met93Val)

Gene: MUTYH (mutY DNA glycosylase; minus strand). Cytogenetic location: 1p34.1.
Variant type: single nucleotide variant.
Coding change: c.277A>G on transcript NM_001048174.2 (MANE Select); coding-DNA position 277, A replaced by G.
Protein change: p.Met93Val; replaces methionine 93 with valine.
Molecular consequence: missense variant. On other transcripts: initiator codon variant (2), synonymous variant (2), non-coding transcript variant (2).
Genome position (GRCh38, 1-based): chr1:45,333,312, T>C on the plus strand (A>G on the coding strand, the complement: MUTYH is on the minus strand). VCF-style: chr1-45333312-T-C. GRCh37 (hg19) VCF-style: chr1-45798984-T-C.
Other names: c.277A>G, p.Met93Val (NM_001048171.2, NM_001048173.2, NM_001293195.2); c.280A>G, p.Met94Val (NM_001048172.2); c.361A>G, p.Met121Val (NM_001128425.2); c.322A>G, p.Met108Val (NM_001293190.2); c.310A>G, p.Met104Val (NM_001293191.2); c.1A>G, p.Met1Val (NM_001293192.2, NM_001293196.2); c.6A>G, p.Arg2= (NM_001350650.2, NM_001350651.2); c.352A>G, p.Met118Val (NM_012222.3); short protein forms M121V, M1V, M93V, M104V, M108V, M118V, M94V.
Identifiers: ClinVar variation 485900 (VCV000485900.21), dbSNP rs1553129862, ClinGen allele CA340136286.
Genomic context (GRCh38, chr1:45,333,312, plus strand): 5'-CAAAGTGGCCCTGCTCTCAGGAGATGTACTGACCAGCATATGCCCGCCTGTCCAGGTCCA[T>C]CTCATCTTCTGCCTGTCAATGCAACCCCAGATGAGGAGTTAGGGTGGAGGGGGCTGGGTG-3'
Protein context (NP_001041639.1, residues 83-103): LPWRRRAEDE[Met93Val]DLDRRAYAVW

ClinVar aggregate classification (germline): Conflicting classifications of pathogenicity. Review status: criteria provided, conflicting classifications (1 of 4 stars). 3 submissions from 3 submitters: Uncertain significance (2); Likely benign (1). Last evaluated 2023-12-05.

Conditions:
Hereditary cancer-predisposing syndrome. Also called: Hereditary neoplastic syndrome; Hereditary Cancer Syndrome; Neoplastic Syndromes, Hereditary; Tumor predisposition. Identifiers: Orphanet 140162, MedGen C0027672, MeSH D009386, MONDO:0015356.
Familial adenomatous polyposis 2. Also called: MYH-associated polyposis; COLORECTAL ADENOMATOUS POLYPOSIS, AUTOSOMAL RECESSIVE; ADENOMAS, MULTIPLE COLORECTAL, AUTOSOMAL RECESSIVE; MUTYH-related attenuated familial adenomatous polyposis; Adenomas, multiple colorectal; FAP type 2. Identifiers: Orphanet 220460, Orphanet 247798, MedGen C3272841, MONDO:0012041, OMIM 608456.

Submissions (3):

Color Diagnostics, LLC DBA Color Health
Classification: Uncertain significance for Hereditary cancer-predisposing syndrome. Last evaluated: 2023-12-05. Review status: criteria provided, single submitter. Criteria: ACMG Guidelines, 2015. Collection method: clinical testing. Allele origin: germline.
Comment: This missense variant replaces methionine with valine at codon 121 of the MUTYH protein. Computational prediction suggests that this variant may not impact protein structure and function (internally defined REVEL score threshold <= 0.5, PMID: 27666373). To our knowledge, functional studies have not been reported for this variant. This variant has not been reported in individuals affected with MUTYH-related disorders in the literature. This variant has not been identified in the general population by the Genome Aggregation Database (gnomAD). The available evidence is insufficient to determine the role of this variant in disease conclusively. Therefore, this variant is classified as a Variant of Uncertain Significance.

Labcorp Genetics (formerly Invitae), Labcorp
Classification: Uncertain significance for Familial adenomatous polyposis 2. Last evaluated: 2019-04-11. Review status: criteria provided, single submitter. Criteria: Invitae Variant Classification Sherloc (09022015). Collection method: clinical testing. Allele origin: germline.
Comment: This sequence change replaces methionine with valine at codon 121 of the MUTYH protein (p.Met121Val). The methionine residue is weakly conserved and there is a small physicochemical difference between methionine and valine. This variant is not present in population databases (ExAC no frequency). This variant has not been reported in the literature in individuals with MUTYH-related conditions. ClinVar contains an entry for this variant (Variation ID: 485900). Algorithms developed to predict the effect of missense changes on protein structure and function output the following: SIFT: "Tolerated"; PolyPhen-2: "Benign"; Align-GVGD: "Class C0". The valine amino acid residue is found in multiple mammalian species, suggesting that this missense change does not adversely affect protein function. These predictions have not been confirmed by published functional studies and their clinical significance is uncertain. Algorithms developed to predict the effect of sequence changes on RNA splicing suggest that this variant may create or strengthen a splice site, but this prediction has not been confirmed by published transcriptional studies. In summary, the available evidence is currently insufficient to determine the role of this variant in disease. Therefore, it has been classified as a Variant of Uncertain Significance.

Ambry Genetics
Classification: Likely benign for Hereditary cancer-predisposing syndrome. Last evaluated: 2016-11-28. Review status: criteria provided, single submitter. Criteria: Ambry Variant Classification Scheme 2023. Collection method: clinical testing. Allele origin: germline.